The following is an entry in ClinVar:

NM_002834.5(PTPN11):c.329A>G (p.Glu110Gly)

Gene: PTPN11 (protein tyrosine phosphatase non-receptor type 11; plus strand). Cytogenetic location: 12q24.13.
Variant type: single nucleotide variant.
Coding change: c.329A>G on transcript NM_002834.5 (MANE Select); coding-DNA position 329, A replaced by G.
Protein change: p.Glu110Gly; replaces glutamic acid 110 with glycine.
Molecular consequence: missense variant.
Genome position (GRCh38, 1-based): chr12:112,450,509, A>G. VCF-style: chr12-112450509-A-G. GRCh37 (hg19) VCF-style: chr12-112888313-A-G.
Other names: c.329A>G, p.Glu110Gly (NM_001330437.2, NM_080601.3); c.326A>G, p.Glu109Gly (NM_001374625.1); short protein forms E109G, E110G.
Identifiers: ClinVar variation 1339747 (VCV001339747.3), dbSNP rs397507519, ClinGen allele CA386778512.

ClinVar aggregate classification (germline): Conflicting classifications of pathogenicity. Review status: criteria provided, conflicting classifications (1 of 4 stars). 3 submissions from 3 submitters: Likely pathogenic (1); Uncertain significance (2). Last evaluated 2023-02-11.

Conditions:
PTPN11-related disorder. Also called: PTPN11-Related Disorders.
Noonan syndrome 1 (NS1). Also called: FEMALE PSEUDO-TURNER SYNDROME; TURNER PHENOTYPE WITH NORMAL KARYOTYPE; PTPN11-Related Noonan Syndrome. Identifiers: Orphanet 648, MedGen C4551602, MONDO:0008104, OMIM 163950. Disease mechanism: gain of function.
Metachondromatosis (METCDS). Identifiers: Orphanet 2499, MedGen C0410530, MONDO:0007979, OMIM 156250.
Juvenile myelomonocytic leukemia (JMML). Also called: LEUKEMIA, JUVENILE MYELOMONOCYTIC, SOMATIC. Identifiers: Orphanet 86834, MedGen C0349639, MONDO:0011908, OMIM 607785, HP:0012209.
LEOPARD syndrome 1 (LPRD1). Also called: LENTIGINOSIS, CARDIOMYOPATHIC; MULTIPLE LENTIGINES SYNDROME; PTPN11-Related LEOPARD Syndrome. Identifiers: Orphanet 500, MedGen C4551484, MONDO:0100082, OMIM 151100.

Allele frequency attached by ClinVar (database versions not stated): gnomAD exomes below 0.00001.
gnomAD v4.1: 2 of 1,613,766 alleles (0.00012%); highest among the groups gnomAD compares: Non-Finnish European, 0.00017%; no homozygotes.

Submissions (3):

PreventionGenetics, part of Exact Sciences
Classification: Likely pathogenic for PTPN11-related condition. Last evaluated: 2023-02-11. Review status: criteria provided, single submitter. Criteria: ACMG Guidelines, 2015. Collection method: clinical testing. Allele origin: germline.
Comment: The PTPN11 c.329A>G variant is predicted to result in the amino acid substitution p.Glu110Gly. To our knowledge, this variant has not been reported in the literature or in a large population database, indicating this variant is rare. In addition, other variants impacting the p.Glu110 amino acid have been reported in individuals with Noonan syndrome (p.Glu110Ala reported as E111A, Zenker et al. 2004. PubMed ID: 15001945; p.Glu110Lys,de novo, Ezquieta et al. 2012. PubMed ID: 22465605). Taken together, this variant is interpreted as likely pathogenic.

Fulgent Genetics
Classification: Uncertain significance for LEOPARD syndrome 1; Metachondromatosis; Noonan syndrome 1; Juvenile myelomonocytic leukemia. Last evaluated: 2022-03-30. Review status: criteria provided, single submitter. Criteria: ACMG Guidelines, 2015. Collection method: clinical testing. Allele origin: unknown.

Women's Health and Genetics/Laboratory Corporation of America, LabCorp
Classification: Uncertain significance. Last evaluated: 2022-01-29. Review status: criteria provided, single submitter. Criteria: LabCorp Variant Classification Summary - May 2015. Collection method: clinical testing. Allele origin: germline.
Comment: Variant summary: PTPN11 c.329A>G (p.Glu110Gly) results in a non-conservative amino acid change located in the SH2 domain (IPR000980) of the encoded protein sequence. Five of five in-silico tools predict a damaging effect of the variant on protein function. The variant was absent in 251160 control chromosomes. The available data on variant occurrences in the general population are insufficient to allow any conclusion about variant significance. To our knowledge, no occurrence of c.329A>G in individuals affected with Noonan Syndrome and no experimental evidence demonstrating its impact on protein function have been reported. Two different variants at the same residue, c.328G>A (p. E110K) and c.329A>C (p.E110A) have been reported in individuals affected with or referred for genetic testing for Noonan Syndrome (HGMD database and our laboratory), suggesting that this glutamate residue is clinically significant. No clinical diagnostic laboratories have submitted clinical-significance assessments for this variant to ClinVar after 2014. Based on the evidence outlined above, the variant was classified as VUS-possibly pathogenic.